The following is an entry in ClinVar:

NM_001184880.2(PCDH19):c.3219C>A (p.Ser1073Arg)

Gene: PCDH19 (protocadherin 19; minus strand). Cytogenetic location: Xq22.1.
Variant type: single nucleotide variant.
Coding change: c.3219C>A on transcript NM_001184880.2 (MANE Select); coding-DNA position 3219, C replaced by A.
Protein change: p.Ser1073Arg; replaces serine 1073 with arginine.
Molecular consequence: missense variant.
Genome position (GRCh38, 1-based): chrX:100,296,505, G>T on the plus strand (C>A on the coding strand, the complement: PCDH19 is on the minus strand). VCF-style: chrX-100296505-G-T. GRCh37 (hg19) VCF-style: chrX-99551503-G-T.
Other names: c.3078C>A, p.Ser1026Arg (NM_001105243.2); c.3075C>A, p.Ser1025Arg (NM_020766.3); short protein forms S1025R, S1026R, S1073R.
Identifiers: ClinVar variation 1197223 (VCV001197223.2), dbSNP rs1465124871, ClinGen allele CA413999917.

ClinVar aggregate classification (germline): Uncertain significance (1 of 4 stars; one submission).

Submission:

GeneDx
Classification: Uncertain significance. Last evaluated: 2021-01-13. Review status: criteria provided, single submitter. Criteria: GeneDx Variant Classification Process June 2021. Collection method: clinical testing. Allele origin: germline. Affected: yes.
Comment: Not observed in large population cohorts (Lek et al., 2016); Missense variants in this gene are often considered pathogenic (Stenson et al., 2014); In silico analysis supports that this missense variant does not alter protein structure/function; Has not been previously published as pathogenic or benign to our knowledge